The following is an entry in ClinVar:

NM_000298.6(PKLR):c.692T>C (p.Ile231Thr)

Gene: PKLR (pyruvate kinase L/R; minus strand). Cytogenetic location: 1q22.
Variant type: single nucleotide variant.
Coding change: c.692T>C on transcript NM_000298.6 (MANE Select); coding-DNA position 692, T replaced by C.
Protein change: p.Ile231Thr; replaces isoleucine 231 with threonine.
Molecular consequence: missense variant.
Genome position (GRCh38, 1-based): chr1:155,295,118, A>G on the plus strand (T>C on the coding strand, the complement: PKLR is on the minus strand). VCF-style: chr1-155295118-A-G. GRCh37 (hg19) VCF-style: chr1-155264909-A-G.
Other names: c.599T>C, p.Ile200Thr (NM_181871.4); short protein forms I231T, I200T.
Identifiers: ClinVar variation 2585066 (VCV002585066.1), dbSNP rs1647484906, ClinGen allele CA342754973.

ClinVar aggregate classification (germline): Uncertain significance (1 of 4 stars; one submission).

Conditions:
Pyruvate kinase deficiency of red cells (CNSHA2). Also called: Pyruvate kinase deficiency, Amish type; PK DEFICIENCY; PYRUVATE KINASE DEFICIENCY OF ERYTHROCYTE. Identifiers: Orphanet 766, MedGen C0340968, MONDO:0009950, OMIM 266200.

Allele frequency attached by ClinVar (database versions not stated): gnomAD exomes below 0.00001.
gnomAD v4.1: 6 of 1,613,752 alleles (0.00037%); highest among the groups gnomAD compares: South Asian, 0.0055%; no homozygotes.

Submission:

Neuberg Centre For Genomic Medicine, NCGM
Classification: Uncertain significance for Pyruvate kinase deficiency of red cells. Review status: criteria provided, single submitter. Criteria: ACMG Guidelines, 2015. Collection method: clinical testing. Allele origin: germline. Inheritance: Autosomal recessive inheritance. Affected: yes.
Comment: The missense variant in c.692T>C(p.Ile231Thr) in PKLR gene has not been reported previously as a pathogenic variant nor as a benign variant, to our knowledge. The p.Ile231Thr variant is novel (not in any individuals) in gnomAD Exomes and 1000 Genomes. The amino acid change p.Ile231Thr in PKLR is predicted as conserved by GERP++ and PhyloP across 100 vertebrates. The amino acid Ile at position 231 is changed to a Thr changing protein sequence and it might alter its composition and physico-chemical properties. For these reasons, this variant has been classified as Uncertain Significance (VUS). In the absence of another reportable variant /CNV in the PKLR gene, the molecular diagnosis is not confirmed.